The following is an entry in ClinVar:

ClinVar aggregate classification (germline): Uncertain significance (1 of 4 stars; one submission).

Conditions:
Propionic acidemia (PROP). Also called: GLYCINEMIA, KETOTIC; HYPERGLYCINEMIA WITH KETOACIDOSIS AND LEUKOPENIA; KETOTIC HYPERGLYCINEMIA. Identifiers: Orphanet 35, MedGen C0268579, MONDO:0011628, OMIM 606054, HP:0003571.

Submission:

Labcorp Genetics (formerly Invitae), Labcorp
Classification: Uncertain significance for Propionic acidemia. Last evaluated: 2022-04-19. Review status: criteria provided, single submitter. Criteria: Invitae Variant Classification Sherloc (09022015). Collection method: clinical testing. Allele origin: germline.
Comment: Advanced modeling of protein sequence and biophysical properties (such as structural, functional, and spatial information, amino acid conservation, physicochemical variation, residue mobility, and thermodynamic stability) performed at Invitae indicates that this missense variant is not expected to disrupt PCCA protein function. This sequence change replaces leucine, which is neutral and non-polar, with glutamine, which is neutral and polar, at codon 11 of the PCCA protein (p.Leu11Gln). This variant is not present in population databases (gnomAD no frequency). This variant has not been reported in the literature in individuals affected with PCCA-related conditions. In summary, the available evidence is currently insufficient to determine the role of this variant in disease. Therefore, it has been classified as a Variant of Uncertain Significance.

NM_000282.4(PCCA):c.32T>A (p.Leu11Gln)

Gene: PCCA (propionyl-CoA carboxylase subunit alpha; plus strand). Cytogenetic location: 13q32.3.
Variant type: single nucleotide variant.
Coding change: c.32T>A on transcript NM_000282.4 (MANE Select); coding-DNA position 32, T replaced by A.
Protein change: p.Leu11Gln; replaces leucine 11 with glutamine.
Molecular consequence: missense variant. On other transcripts: 5 prime UTR variant (3), non-coding transcript variant (5).
Genome position (GRCh38, 1-based): chr13:100,089,152, T>A. VCF-style: chr13-100089152-T-A. GRCh37 (hg19) VCF-style: chr13-100741406-T-A.
Other names: c.32T>A, p.Leu11Gln (NM_001127692.3, NM_001178004.2, NM_001352605.2 and 4 more transcripts); c.-835T>A (NM_001352610.2, NM_001352611.2, NM_001352612.2); short protein forms L11Q.
Identifiers: ClinVar variation 1944145 (VCV001944145.3), dbSNP rs1462181349, ClinGen allele CA388692639.